The following is an entry in ClinVar:

ClinVar aggregate classification (germline): Uncertain significance (1 of 4 stars; one submission).

Conditions:
H1-4-related disorder. Also called: H1-4-related condition.

gnomAD v4.1: 8 of 1,614,062 alleles (0.0005%); highest among the groups gnomAD compares: Admixed American, 0.0083%; no homozygotes.

Submission:

PreventionGenetics, part of Exact Sciences
Classification: Uncertain significance for H1-4-related condition. Last evaluated: 2025-10-24. Review status: criteria provided, single submitter. Criteria: ACMG Guidelines, 2015. Collection method: clinical testing. Allele origin: germline.
Comment: The H1-4 c.334G>A variant is predicted to result in the amino acid substitution p.Ala112Thr. To our knowledge, this variant has not been reported in the literature. This variant is reported in 0.0058% of alleles in individuals of Latino descent in gnomAD. At this time, the clinical significance of this variant is uncertain due to the absence of conclusive functional and genetic evidence.

NM_005321.3(H1-4):c.334G>A (p.Ala112Thr)

Gene: H1-4 (H1.4 linker histone, cluster member; plus strand). Cytogenetic location: 6p22.2.
Variant type: single nucleotide variant.
Coding change: c.334G>A on transcript NM_005321.3 (MANE Select); coding-DNA position 334, G replaced by A.
Protein change: p.Ala112Thr; replaces alanine 112 with threonine.
Molecular consequence: missense variant.
Genome position (GRCh38, 1-based): chr6:26,156,724, G>A. VCF-style: chr6-26156724-G-A. GRCh37 (hg19) VCF-style: chr6-26156952-G-A.
Other names: short protein forms A112T.
Identifiers: ClinVar variation 4989294 (VCV004989294.1).